The following is an entry in ClinVar:

NM_018089.3(ANKZF1):c.1172C>T (p.Ala391Val)

Gene: ANKZF1 (ankyrin repeat and zinc finger peptidyl tRNA hydrolase 1; plus strand). Cytogenetic location: 2q35.
Variant type: single nucleotide variant.
Coding change: c.1172C>T on transcript NM_018089.3 (MANE Select); coding-DNA position 1172, C replaced by T.
Protein change: p.Ala391Val; replaces alanine 391 with valine.
Molecular consequence: missense variant.
Genome position (GRCh38, 1-based): chr2:219,234,256, C>T. VCF-style: chr2-219234256-C-T. GRCh37 (hg19) VCF-style: chr2-220098978-C-T.
Other names: c.1172C>T, p.Ala391Val (NM_001042410.2); c.542C>T, p.Ala181Val (NM_001282792.2); c.1172C>T (NM_018089.2); short protein forms A391V, A181V.
Identifiers: ClinVar variation 2166902 (VCV002166902.5), dbSNP rs377499778, ClinGen allele CA2120985.

ClinVar aggregate classification (germline): Uncertain significance. Review status: criteria provided, multiple submitters, no conflicts (2 of 4 stars). 2 submissions from 2 submitters: Uncertain significance (2). Last evaluated 2024-10-12.

Allele frequency attached by ClinVar (database versions not stated): ExAC 0.00003; TOPMed 0.00004; gnomAD 0.00005; ESP Exome Variant Server 0.00008; gnomAD exomes 0.00012.
gnomAD v4.1: 177 of 1,613,794 alleles (0.011%); highest among the groups gnomAD compares: Non-Finnish European, 0.014%; no homozygotes.

Submissions (2):

Ambry Genetics
Classification: Uncertain significance. Last evaluated: 2024-10-12. Review status: criteria provided, single submitter. Criteria: Ambry Variant Classification Scheme 2023. Collection method: clinical testing. Allele origin: germline.

Labcorp Genetics (formerly Invitae), Labcorp
Classification: Uncertain significance. Last evaluated: 2024-03-29. Review status: criteria provided, single submitter. Criteria: Invitae Variant Classification Sherloc (09022015). Collection method: clinical testing. Allele origin: germline.
Comment: This sequence change replaces alanine, which is neutral and non-polar, with valine, which is neutral and non-polar, at codon 391 of the ANKZF1 protein (p.Ala391Val). This variant is present in population databases (rs377499778, gnomAD 0.006%). This variant has not been reported in the literature in individuals affected with ANKZF1-related conditions. ClinVar contains an entry for this variant (Variation ID: 2166902). Algorithms developed to predict the effect of missense changes on protein structure and function output the following: SIFT: "Not Available"; PolyPhen-2: "Benign"; Align-GVGD: "Not Available". The valine amino acid residue is found in multiple mammalian species, which suggests that this missense change does not adversely affect protein function. In summary, the available evidence is currently insufficient to determine the role of this variant in disease. Therefore, it has been classified as a Variant of Uncertain Significance.